The following is an entry in ClinVar:

NM_018406.7(MUC4):c.4671C>T (p.Asp1557=)

Gene: MUC4 (mucin 4, cell surface associated). Cytogenetic location: 3q29.
Variant type: single nucleotide variant.
Coding change: c.4671C>T on transcript NM_018406.7 (MANE Select); coding-DNA position 4671, C replaced by T.
Protein change: p.Asp1557=; no amino-acid change (aspartic acid 1557 retained).
Molecular consequence: synonymous variant. On other transcripts: intron variant (2).
Genome position (GRCh38, 1-based): chr3:195,786,909, G>A on the plus strand (C>T on the coding strand, the complement: MUC4 is on the minus strand). VCF-style: chr3-195786909-G-A. GRCh37 (hg19) VCF-style: chr3-195513780-G-A.
Other names: c.83-12604C>T (NM_138297.5); c.83-8454C>T (NM_004532.6).
Identifiers: ClinVar variation 4083745 (VCV004083745.8).

ClinVar aggregate classification (germline): Likely benign (1 of 4 stars; one submission).

Submission:

CeGaT Center for Human Genetics Tuebingen
Classification: Likely benign. Last evaluated: 2026-03-01. Review status: criteria provided, single submitter. Criteria: CeGaT Center For Human Genetics Tuebingen Variant Classification Criteria Version 2. Collection method: clinical testing. Allele origin: germline. Affected: yes. Observed: 1 variant allele.
Comment: MUC4: BP4, BP7